The following is an entry in ClinVar:

NM_006766.5(KAT6A):c.4890C>G (p.Cys1630Trp)

Gene: KAT6A (lysine acetyltransferase 6A; minus strand). Cytogenetic location: 8p11.21.
Variant type: single nucleotide variant.
Coding change: c.4890C>G on transcript NM_006766.5 (MANE Select); coding-DNA position 4890, C replaced by G.
Protein change: p.Cys1630Trp; replaces cysteine 1630 with tryptophan.
Molecular consequence: missense variant.
Genome position (GRCh38, 1-based): chr8:41,933,330, G>C on the plus strand (C>G on the coding strand, the complement: KAT6A is on the minus strand). VCF-style: chr8-41933330-G-C. GRCh37 (hg19) VCF-style: chr8-41790848-G-C.
Other names: c.4890C>G (NM_006766.3); short protein forms C1630W.
Identifiers: ClinVar variation 2883862 (VCV002883862.5), dbSNP rs951927737, ClinGen allele CA175939075.

ClinVar aggregate classification (germline): Conflicting classifications of pathogenicity. Review status: criteria provided, conflicting classifications (1 of 4 stars). 3 submissions from 3 submitters: Uncertain significance (2); Likely benign (1). Last evaluated 2025-11-19.

Conditions:
Inborn genetic diseases. Identifiers: MedGen C0950123, MeSH D030342.

Allele frequency attached by ClinVar (database versions not stated): gnomAD exomes 0.00001; TOPMed 0.00001; gnomAD 0.00003.
gnomAD v4.1: 8 of 1,574,314 alleles (0.00051%); highest among the groups gnomAD compares: African/African-American, 0.0027%; no homozygotes.

Submissions (3):

Ambry Genetics
Classification: Uncertain significance for Inborn genetic diseases. Last evaluated: 2025-11-19. Review status: criteria provided, single submitter. Criteria: Ambry Variant Classification Scheme 2023. Collection method: clinical testing. Allele origin: germline.
Comment: The c.4890C>G (p.C1630W) alteration is located in exon 17 (coding exon 16) of the KAT6A gene. This alteration results from a C to G substitution at nucleotide position 4890, causing the cysteine (C) at amino acid position 1630 to be replaced by a tryptophan (W). Based on data from gnomAD, the G allele has an overall frequency of 0.003% (1/31354) total alleles studied. The highest observed frequency was 0.007% (1/15406) of European (non-Finnish) alleles. Based on insufficient or conflicting evidence, the clinical significance of this alteration remains unclear.

Labcorp Genetics (formerly Invitae), Labcorp
Classification: Likely benign. Last evaluated: 2024-12-30. Review status: criteria provided, single submitter. Criteria: Invitae Variant Classification Sherloc (09022015). Collection method: clinical testing. Allele origin: germline.

Women's Health and Genetics/Laboratory Corporation of America, LabCorp
Classification: Uncertain significance. Last evaluated: 2024-08-07. Review status: criteria provided, single submitter. Criteria: LabCorp Variant Classification Summary - May 2015. Collection method: clinical testing. Allele origin: germline.
Comment: Variant summary: KAT6A c.4890C>G (p.Cys1630Trp) results in a non-conservative amino acid change in the encoded protein sequence. Four of five in-silico tools predict a damaging effect of the variant on protein function. The frequency data for this variant in gnomAD is considered unreliable, as metrics indicate poor data quality at this position. To our knowledge, no occurrence of c.4890C>G in individuals affected with Arboleda-Tham Syndrome and no experimental evidence demonstrating its impact on protein function have been reported. ClinVar contains an entry for this variant (Variation ID: 2883862). Based on the evidence outlined above, the variant was classified as uncertain significance.